The following is an entry in ClinVar:

ClinVar aggregate classification (germline): Uncertain significance (1 of 4 stars; one submission).

Conditions:
Hyperphosphatasia with intellectual disability syndrome 5 (GPIBD11). Also called: GLYCOSYLPHOSPHATIDYLINOSITOL BIOSYNTHESIS DEFECT 11. Identifiers: Orphanet 247262, MedGen C4014958, MONDO:0014457, OMIM 616025.

Submission:

Labcorp Genetics (formerly Invitae), Labcorp
Classification: Uncertain significance for Hyperphosphatasia with mental retardation syndrome 5. Last evaluated: 2018-03-05. Review status: criteria provided, single submitter. Criteria: Invitae Variant Classification Sherloc (09022015). Collection method: clinical testing. Allele origin: germline.
Comment: A gross deletion of the genomic region encompassing the full coding sequence of the PIGW gene has been identified. The boundaries of this event are unknown as the deletion extends beyond the assayed region for this gene and therefore may encompass additional genes. This variant has not been reported in the literature in individuals with PIGW-related disease. The current clinical and genetic evidence is not sufficient to establish whether loss-of-function variants in PIGW cause disease. In summary, the available evidence is currently insufficient to determine the role of this variant in disease. Therefore, it has been classified as a Variant of Uncertain Significance.

NC_000017.10:g.(?_34856670)_(35478412_?)del

Genes: GGNBP2 (gametogenetin binding protein 2; plus strand), LHX1 (LIM homeobox 1; plus strand), MRM1 (mitochondrial rRNA methyltransferase 1; plus strand), MYO19 (myosin XIX; minus strand), AATF (apoptosis antagonizing transcription factor; plus strand) and 3 more. Cytogenetic location: 17q12.
Variant type: Deletion.
Identifiers: ClinVar variation 583497 (VCV000583497.1).